The following is an entry in ClinVar:

ClinVar aggregate classification (germline): Likely pathogenic. Review status: criteria provided, multiple submitters, no conflicts (2 of 4 stars). 2 submissions from 2 submitters: Likely pathogenic (2). Last evaluated 2022-09-01.

Conditions:
Autosomal recessive spinocerebellar ataxia 20. Identifiers: Orphanet 397709, MedGen C5190595, MONDO:0014601, OMIM 616354.
SNX14-related disorder. Also called: SNX14-related condition.

gnomAD v4.1: 7 of 1,613,898 alleles (0.00043%); highest among the groups gnomAD compares: South Asian, 0.0022%; no homozygotes.

Submissions (2):

Blueprint Genetics
Classification: Likely pathogenic for SNX14-related disorders. Last evaluated: 2022-09-01. Review status: criteria provided, single submitter. Criteria: ACMG Guidelines, 2015. Collection method: clinical testing. Allele origin: germline. Affected: yes. Observed: 3 variant alleles.

Kariminejad - Najmabadi Pathology & Genetics Center
Classification: Likely pathogenic for Autosomal recessive spinocerebellar ataxia 20. Last evaluated: 2021-03-05. Review status: criteria provided, single submitter. Criteria: ACMG Guidelines, 2015. Collection method: clinical testing. Allele origin: germline. Inheritance: Autosomal recessive inheritance. Affected: yes.
Comment: PVS1,PM2

NM_153816.6(SNX14):c.1678C>T (p.Arg560Ter)

Gene: SNX14 (sorting nexin 14; minus strand). Cytogenetic location: 6q14.3.
Variant type: single nucleotide variant.
Coding change: c.1678C>T on transcript NM_153816.6 (MANE Select); coding-DNA position 1678, C replaced by T.
Protein change: p.Arg560Ter; replaces arginine 560 with a stop codon.
Molecular consequence: nonsense. On other transcripts: non-coding transcript variant (6).
Genome position (GRCh38, 1-based): chr6:85,533,731, G>A on the plus strand (C>T on the coding strand, the complement: SNX14 is on the minus strand). VCF-style: chr6-85533731-G-A. GRCh37 (hg19) VCF-style: chr6-86243449-G-A.
Other names: c.1651C>T, p.Arg551Ter (NM_001297614.3, NM_001350541.2); c.1522C>T, p.Arg508Ter (NM_001304479.2); c.1741C>T, p.Arg581Ter (NM_001350532.2); c.1675C>T, p.Arg559Ter (NM_001350533.2, NM_001350535.2); c.1648C>T, p.Arg550Ter (NM_001350534.2); c.1546C>T, p.Arg516Ter (NM_001350536.2); c.1543C>T, p.Arg515Ter (NM_001350537.2); c.1534C>T, p.Arg512Ter (NM_001350538.2); and 9 more; short protein forms R166*, R175*, R210*, R412*, R460*, R463*, R464*, R507*.
Identifiers: ClinVar variation 3897012 (VCV003897012.2).